The following is an entry in ClinVar:

NM_017553.3(INO80):c.432C>T (p.Asp144=)

Gene: INO80 (INO80 complex ATPase subunit; minus strand). Cytogenetic location: 15q15.1.
Variant type: single nucleotide variant.
Coding change: c.432C>T on transcript NM_017553.3 (MANE Select); coding-DNA position 432, C replaced by T.
Protein change: p.Asp144=; no amino-acid change (aspartic acid 144 retained).
Molecular consequence: synonymous variant. On other transcripts: non-coding transcript variant (1).
Genome position (GRCh38, 1-based): chr15:41,092,132, G>A on the plus strand (C>T on the coding strand, the complement: INO80 is on the minus strand). VCF-style: chr15-41092132-G-A. GRCh37 (hg19) VCF-style: chr15-41384330-G-A.
Other names: c.432C>T (NM_017553.2).
Identifiers: ClinVar variation 994175 (VCV000994175.12), dbSNP rs75953315, ClinGen allele CA7489555.
Genomic context (GRCh38, chr15:41,092,132, plus strand): 5'-GTGTAGTCGAAGCATGTTGTGAAGTTCTTCTCTGCTGAGATTGAGTTCTTCTTCATCATC[G>A]TCTTCACTCTGAGAATCAGCCTCGCTGGATTCATCACTTAGCAGAATGCTCTGAAAAGGG-3'
Protein context (NP_060023.1, residues 134-154): ESSEADSQSE[Asp144=]DDEEELNLSR

ClinVar aggregate classification (germline): Benign. Review status: criteria provided, multiple submitters, no conflicts (2 of 4 stars). 3 submissions from 3 submitters: Benign (2). 1 of the submissions does not count toward it. Last evaluated 2021-11-30.

Conditions:
INO80-related disorder. Also called: INO80-related condition.

Allele frequency attached by ClinVar (database versions not stated): gnomAD exomes 0.00119 and 0.00326; ExAC 0.00401; gnomAD 0.01192 and 0.01255; TOPMed 0.01341; ESP Exome Variant Server 0.01445; 1000 Genomes Project 0.01797; 1000 Genomes Project 30x 0.02077.
gnomAD v4.1: 3,647 of 1,610,090 alleles (0.23%); highest among the groups gnomAD compares: African/African-American, 4.1%; 54 homozygotes.

Submissions (3):

ARUP Laboratories, Molecular Genetics and Genomics, ARUP Laboratories
Classification: Benign. Last evaluated: 2021-11-30. Review status: criteria provided, single submitter. Criteria: ARUP Molecular Germline Variant Investigation Process 2021. Collection method: clinical testing. Allele origin: germline.

Breakthrough Genomics
Classification: Benign. Review status: criteria provided, single submitter. Criteria: ACMG Guidelines, 2015. Collection method: not provided. Allele origin: germline. Inheritance: Unknown mechanism. Affected: yes.

PreventionGenetics, part of Exact Sciences
Classification: Likely benign for INO80-related condition. Last evaluated: 2020-02-11. Review status: no assertion criteria provided. Collection method: clinical testing. Allele origin: germline. Not counted in ClinVar's aggregate classification.
Comment: This variant is classified as likely benign based on ACMG/AMP sequence variant interpretation guidelines (Richards et al. 2015 PMID: 25741868, with internal and published modifications).